The following is an entry in ClinVar:

ClinVar aggregate classification (germline): Uncertain significance (1 of 4 stars; one submission).

Conditions:
LAMA2-related muscular dystrophy (LAMA2-RD). Also called: Laminin alpha 2-related dystrophy. Identifiers: MedGen C5679788, MONDO:0100228.

gnomAD v4.1: 1 of 1,613,894 alleles (0.000062%); highest among the groups gnomAD compares: Non-Finnish European, 0.000085%; no homozygotes.

Submission:

Labcorp Genetics (formerly Invitae), Labcorp
Classification: Uncertain significance for LAMA2-related muscular dystrophy. Last evaluated: 2021-06-20. Review status: criteria provided, single submitter. Criteria: Invitae Variant Classification Sherloc (09022015). Collection method: clinical testing. Allele origin: germline.
Comment: This sequence change replaces leucine with proline at codon 2034 of the LAMA2 protein (p.Leu2034Pro). The leucine residue is moderately conserved and there is a moderate physicochemical difference between leucine and proline. This variant is not present in population databases (ExAC no frequency). This variant has not been reported in the literature in individuals with LAMA2-related conditions. Advanced modeling of protein sequence and biophysical properties (such as structural, functional, and spatial information, amino acid conservation, physicochemical variation, residue mobility, and thermodynamic stability) performed at Invitae indicates that this missense variant is not expected to disrupt LAMA2 protein function. In summary, the available evidence is currently insufficient to determine the role of this variant in disease. Therefore, it has been classified as a Variant of Uncertain Significance.

NM_000426.4(LAMA2):c.6101T>C (p.Leu2034Pro)

Genes: LAMA2 (laminin subunit alpha 2; plus strand), LOC123864065 (Sharpr-MPRA regulatory region 661; plus strand). Cytogenetic location: 6q22.33.
Variant type: single nucleotide variant.
Coding change: c.6101T>C on transcript NM_000426.4 (MANE Select); coding-DNA position 6101, T replaced by C.
Protein change: p.Leu2034Pro; replaces leucine 2034 with proline.
Molecular consequence: missense variant.
Genome position (GRCh38, 1-based): chr6:129,440,831, T>C. VCF-style: chr6-129440831-T-C. GRCh37 (hg19) VCF-style: chr6-129761976-T-C.
Other names: c.6101T>C, p.Leu2034Pro (NM_001079823.2); short protein forms L2034P.
Identifiers: ClinVar variation 1362803 (VCV001362803.8), dbSNP rs764778065, ClinGen allele CA365628854.